The following is an entry in ClinVar:

ClinVar aggregate classification (germline): Uncertain significance (1 of 4 stars; one submission).

Conditions:
Giant axonal neuropathy 1 (GAN1). Also called: GAN-Related Neurodegeneration; GIANT AXONAL NEUROPATHY 1, AUTOSOMAL RECESSIVE. Identifiers: Orphanet 643, MedGen C1850386, MONDO:0009749, OMIM 256850.

Submission:

Broad Center for Mendelian Genomics, Broad Institute of MIT and Harvard
Classification: Uncertain significance for Giant axonal neuropathy 1. Last evaluated: 2023-05-02. Review status: criteria provided, single submitter. Criteria: ACMG Guidelines, 2015. Collection method: curation. Allele origin: germline. Inheritance: Autosomal recessive inheritance.
Comment: The c.1503-2A>G variant in GAN has not been previously reported in individuals with giant axonal neuropathy 1. This variant was absent from the large population studies. This variant is located in the 5' splice region. Computational tools predict a splicing impact, though this information is not predictive enough to determine pathogenicity. There is an in-frame cryptic splice site 108 bases from the intron-exon boundary, providing evidence that this variant may delete 36 amino acids instead of causing loss of function. However, this information is not predictive enough to determine pathogenicity. Loss of function of the GAN gene is an established disease mechanism in autosomal recessive giant axonal neuropathy 1. In summary, while there is some suspicion for a pathogenic role, the clinical significance of this variant is uncertain. ACMG/AMP Criteria applied: PVS1_Moderate, PM2_Supporting, PM3_Supporting (Richards 2015).

NM_022041.4(GAN):c.1503-2A>G

Gene: GAN (gigaxonin; plus strand). Cytogenetic location: 16q23.2.
Variant type: single nucleotide variant.
Coding change: c.1503-2A>G on transcript NM_022041.4 (MANE Select); the canonical splice acceptor site of the intron before coding-DNA position 1503, A replaced by G.
Molecular consequence: splice acceptor variant.
Genome position (GRCh38, 1-based): chr16:81,377,217, A>G. VCF-style: chr16-81377217-A-G. GRCh37 (hg19) VCF-style: chr16-81410822-A-G.
Other names: NM_022041.4:c.1503-2A>G; c.864-2A>G (NM_001377486.1).
Identifiers: ClinVar variation 2500950 (VCV002500950.1), dbSNP rs2507772469, ClinGen allele CA396891996.